The following is an entry in ClinVar:

NM_018051.5(DYNC2I1):c.1882A>G (p.Ser628Gly)

Gene: DYNC2I1 (dynein 2 intermediate chain 1; plus strand). Cytogenetic location: 7q36.3.
Variant type: single nucleotide variant.
Coding change: c.1882A>G on transcript NM_018051.5 (MANE Select); coding-DNA position 1882, A replaced by G.
Protein change: p.Ser628Gly; replaces serine 628 with glycine.
Molecular consequence: missense variant.
Genome position (GRCh38, 1-based): chr7:158,918,830, A>G. VCF-style: chr7-158918830-A-G. GRCh37 (hg19) VCF-style: chr7-158711521-A-G.
Other names: c.1882A>G (NM_018051.4); c.1744A>G, p.Ser582Gly (NM_001350914.2); c.1309A>G, p.Ser437Gly (NM_001350915.2); c.421A>G, p.Ser141Gly (NM_001350916.2); c.634A>G, p.Ser212Gly (NM_001350917.2, NM_001350918.2); short protein forms S141G, S212G, S437G, S582G, S628G.
Identifiers: ClinVar variation 1680694 (VCV001680694.7), dbSNP rs759364238, ClinGen allele CA4594792.
Genomic context (GRCh38, chr7:158,918,830, plus strand): 5'-TTGGCAGCTGAACCCAGCTGGAATCTTAGGGCTCAAGACAGGGCCCTGTATTTTAGTGAC[A>G]GCTCATCTCAGCTGAACACCAGTCTACCATTCCTTCAAAGTAAGAGGCTGTTCTCAAATA-3'
Protein context (NP_060521.4, residues 618-638): AQDRALYFSD[Ser628Gly]SSQLNTSLPF

ClinVar aggregate classification (germline): Uncertain significance. Review status: criteria provided, multiple submitters, no conflicts (2 of 4 stars). 2 submissions from 2 submitters: Uncertain significance (2). Last evaluated 2025-09-10.

Conditions:
Short-rib thoracic dysplasia 8 with or without polydactyly (SRTD8). Also called: SHORT-RIB THORACIC DYSPLASIA 8 WITH POLYDACTYLY. Identifiers: Orphanet 93271, MedGen C3809691, MONDO:0014214, OMIM 615503.
Inborn genetic diseases. Identifiers: MedGen C0950123, MeSH D030342.

Allele frequency attached by ClinVar (database versions not stated): gnomAD exomes below 0.00001; ExAC 0.00001; gnomAD 0.00001; TOPMed 0.00008.
gnomAD v4.1: 8 of 1,613,774 alleles (0.0005%); highest among the groups gnomAD compares: African/African-American, 0.004%; no homozygotes.

Submissions (2):

Ambry Genetics
Classification: Uncertain significance for Inborn genetic diseases. Last evaluated: 2025-09-10. Review status: criteria provided, single submitter. Criteria: Ambry Variant Classification Scheme 2023. Collection method: clinical testing. Allele origin: germline.

Labcorp Genetics (formerly Invitae), Labcorp
Classification: Uncertain significance for Short-rib thoracic dysplasia 8 with or without polydactyly. Last evaluated: 2023-08-30. Review status: criteria provided, single submitter. Criteria: Invitae Variant Classification Sherloc (09022015). Collection method: clinical testing. Allele origin: germline.
Comment: In summary, the available evidence is currently insufficient to determine the role of this variant in disease. Therefore, it has been classified as a Variant of Uncertain Significance. An algorithm developed to predict the effect of missense changes on protein structure and function (PolyPhen-2) suggests that this variant is likely to be disruptive. ClinVar contains an entry for this variant (Variation ID: 1680694). This variant has not been reported in the literature in individuals affected with WDR60-related conditions. This variant is present in population databases (rs759364238, gnomAD no frequency). This sequence change replaces serine, which is neutral and polar, with glycine, which is neutral and non-polar, at codon 628 of the WDR60 protein (p.Ser628Gly).